The following is an entry in ClinVar:

NM_001128840.3(CACNA1D):c.715del (p.Leu239fs)

Gene: CACNA1D (calcium voltage-gated channel subunit alpha1 D; plus strand). Cytogenetic location: 3p21.1.
Variant type: Deletion.
Coding change: c.715del on transcript NM_001128840.3 (MANE Select); coding-DNA position 715, one base deleted (C; older notation c.715delC).
Protein change: p.Leu239fs; shifts the reading frame from leucine 239.
Molecular consequence: frameshift variant.
Genome position (GRCh38, 1-based): chr3:53,660,224, C deleted; the last of 3 consecutive C bases (chr3:53,660,222-53,660,224); deleting any one gives the same sequence. VCF-style (leftmost placement, unchanged base first): chr3-53660221-GC-G. GRCh37 (hg19) VCF-style: chr3-53694248-GC-G.
Other names: c.715del, p.Leu239fs (NM_000720.4, NM_001128839.3); short protein forms L239fs.
Identifiers: ClinVar variation 2860181 (VCV002860181.3), dbSNP rs2472957096, ClinGen allele CA2577792809.

ClinVar aggregate classification (germline): Uncertain significance (1 of 4 stars; one submission).

Submission:

Labcorp Genetics (formerly Invitae), Labcorp
Classification: Uncertain significance. Last evaluated: 2023-05-23. Review status: criteria provided, single submitter. Criteria: Invitae Variant Classification Sherloc (09022015). Collection method: clinical testing. Allele origin: germline.
Comment: This sequence change creates a premature translational stop signal (p.Leu239Serfs*12) in the CACNA1D gene. It is expected to result in an absent or disrupted protein product. However, the current clinical and genetic evidence is not sufficient to establish whether loss-of-function variants in CACNA1D cause disease. This variant has not been reported in the literature in individuals affected with CACNA1D-related conditions. This variant is not present in population databases (gnomAD no frequency). In summary, the available evidence is currently insufficient to determine the role of this variant in disease. Therefore, it has been classified as a Variant of Uncertain Significance.